The following is an entry in ClinVar:

NM_014874.4(MFN2):c.382C>A (p.His128Asn)

Gene: MFN2 (mitofusin 2; plus strand). Cytogenetic location: 1p36.22.
Variant type: single nucleotide variant.
Coding change: c.382C>A on transcript NM_014874.4 (MANE Select); coding-DNA position 382, C replaced by A.
Protein change: p.His128Asn; replaces histidine 128 with asparagine.
Molecular consequence: missense variant.
Genome position (GRCh38, 1-based): chr1:11,996,226, C>A. VCF-style: chr1-11996226-C-A. GRCh37 (hg19) VCF-style: chr1-12056283-C-A.
Other names: c.382C>A, p.His128Asn (NM_001127660.2); short protein forms H128N.
Identifiers: ClinVar variation 1367006 (VCV001367006.8), dbSNP rs2100822486, ClinGen allele CA338434483.
Genomic context (GRCh38, chr1:11,996,226, plus strand): 5'-GGGAAGAGCACCGTGATCAATGCCATGCTCTGGGACAAAGTTCTGCCCTCTGGGATTGGC[C>A]ACACCACCAATTGCTTCCTGCGGGTAGAGGGCACAGATGGCCATGAGGCCTTTCTCCTTA-3'
Protein context (NP_055689.1, residues 118-138): WDKVLPSGIG[His128Asn]TTNCFLRVEG

ClinVar aggregate classification (germline): Pathogenic (1 of 4 stars; one submission).

Conditions:
Charcot-Marie-Tooth disease type 2. Also called: Charcot-Marie-Tooth type 2. Identifiers: Orphanet 64746, MedGen C0270914, MONDO:0018993.

Submission:

Labcorp Genetics (formerly Invitae), Labcorp
Classification: Pathogenic for Charcot-Marie-Tooth disease type 2. Last evaluated: 2024-04-15. Review status: criteria provided, single submitter. Criteria: Invitae Variant Classification Sherloc (09022015). Collection method: clinical testing. Allele origin: germline.
Comment: This sequence change replaces histidine, which is basic and polar, with asparagine, which is neutral and polar, at codon 128 of the MFN2 protein (p.His128Asn). This variant is not present in population databases (gnomAD no frequency). This missense change has been observed in individual(s) with clinical features of Charcot-Marie-Tooth disease (Invitae). It has also been observed to segregate with disease in related individuals. ClinVar contains an entry for this variant (Variation ID: 1367006). Advanced modeling of protein sequence and biophysical properties (such as structural, functional, and spatial information, amino acid conservation, physicochemical variation, residue mobility, and thermodynamic stability) performed at Invitae indicates that this missense variant is expected to disrupt MFN2 protein function with a positive predictive value of 95%. This variant disrupts the p.His128 amino acid residue in MFN2. Other variant(s) that disrupt this residue have been determined to be pathogenic (PMID: 28660751; Invitae). This suggests that this residue is clinically significant, and that variants that disrupt this residue are likely to be disease-causing. For these reasons, this variant has been classified as Pathogenic.

Literature cited by the submitters: PubMed 28660751.